The following is an entry in ClinVar:

NM_004006.3(DMD):c.990T>G (p.Phe330Leu)

Gene: DMD (dystrophin; minus strand). Cytogenetic location: Xp21.1.
Variant type: single nucleotide variant.
Coding change: c.990T>G on transcript NM_004006.3 (MANE Select); coding-DNA position 990, T replaced by G.
Protein change: p.Phe330Leu; replaces phenylalanine 330 with leucine.
Molecular consequence: missense variant.
Genome position (GRCh38, 1-based): chrX:32,645,123, A>C on the plus strand (T>G on the coding strand, the complement: DMD is on the minus strand). VCF-style: chrX-32645123-A-C. GRCh37 (hg19) VCF-style: chrX-32663240-A-C.
Other names: c.966T>G, p.Phe322Leu (NM_000109.4); c.978T>G, p.Phe326Leu (NM_004009.3); c.621T>G, p.Phe207Leu (NM_004010.3); short protein forms F326L, F330L, F207L, F322L.
Identifiers: ClinVar variation 2450348 (VCV002450348.2), dbSNP rs2059701042, ClinGen allele CA412662328.

ClinVar aggregate classification (germline): Uncertain significance (1 of 4 stars; one submission).

Conditions:
Cardiovascular phenotype. Identifiers: MedGen CN230736.

Allele frequency attached by ClinVar (database versions not stated): gnomAD 0.00002.
gnomAD v4.1: 2 of 1,210,021 alleles (0.00017%); highest among the groups gnomAD compares: Admixed American, 0.0022%; no homozygotes.

Submission:

Ambry Genetics
Classification: Uncertain significance for Cardiovascular phenotype. Last evaluated: 2023-01-27. Review status: criteria provided, single submitter. Criteria: Ambry Variant Classification Scheme 2023. Collection method: clinical testing. Allele origin: germline.
Comment: The p.F330L variant (also known as c.990T>G), located in coding exon 10 of the DMD gene, results from a T to G substitution at nucleotide position 990. The phenylalanine at codon 330 is replaced by leucine, an amino acid with highly similar properties. This amino acid position is not well conserved in available vertebrate species. In addition, this alteration is predicted to be tolerated by in silico analysis. Since supporting evidence is limited at this time, the clinical significance of this alteration remains unclear.